The following is an entry in ClinVar:

NM_001042492.3(NF1):c.1355A>G (p.Gln452Arg)

Gene: NF1 (neurofibromin 1; plus strand). Cytogenetic location: 17q11.2.
Variant type: single nucleotide variant.
Coding change: c.1355A>G on transcript NM_001042492.3 (MANE Select); coding-DNA position 1355, A replaced by G.
Protein change: p.Gln452Arg; replaces glutamine 452 with arginine.
Molecular consequence: missense variant.
Genome position (GRCh38, 1-based): chr17:31,206,334, A>G. VCF-style: chr17-31206334-A-G. GRCh37 (hg19) VCF-style: chr17-29533352-A-G.
Other names: c.1355A>G, p.Gln452Arg (NM_000267.4, NM_001128147.3); short protein forms Q452R.
Identifiers: ClinVar variation 5025551 (VCV005025551.1).
Genomic context (GRCh38, chr17:31,206,334, plus strand): 5'-TGTATTGTCACTCGGTTGAACTTCGAAATATGTTTGGTGAAACACTTCATAAAGCAGTGC[A>G]AGGTTGTGGAGCACACCCAGCAATACGAATGGCACCGGTAAGATAAATCACGAATTTTGA-3'
Protein context (NP_001035957.1, residues 442-462): MFGETLHKAV[Gln452Arg]GCGAHPAIRM

ClinVar aggregate classification (germline): Uncertain significance (1 of 4 stars; one submission).

Conditions:
Cardiovascular phenotype. Identifiers: MedGen CN230736.
Hereditary cancer-predisposing syndrome. Also called: Neoplastic Syndromes, Hereditary; Tumor predisposition; Hereditary neoplastic syndrome; Hereditary Cancer Syndrome. Identifiers: Orphanet 140162, MedGen C0027672, MeSH D009386, MONDO:0015356.

Submission:

Ambry Genetics
Classification: Uncertain significance for Cardiovascular phenotype; Hereditary cancer-predisposing syndrome. Last evaluated: 2026-07-05. Review status: criteria provided, single submitter. Criteria: Ambry Variant Classification Scheme 2023. Collection method: clinical testing. Allele origin: germline.
Comment: The p.Q452R variant (also known as c.1355A>G), located in coding exon 12 of the NF1 gene, results from an A to G substitution at nucleotide position 1355. The glutamine at codon 452 is replaced by arginine, an amino acid with highly similar properties. This amino acid position is conserved. In addition, this alteration is predicted to be deleterious by in silico analysis. Based on the available evidence, the clinical significance of this variant remains unclear.